The following is an entry in ClinVar:

ClinVar aggregate classification (germline): Uncertain significance. Review status: criteria provided, multiple submitters, no conflicts (2 of 4 stars). 2 submissions from 2 submitters: Uncertain significance (2). Last evaluated 2025-06-16.

Conditions:
Dyskeratosis congenita. Identifiers: Orphanet 1775, MedGen C0265965, MONDO:0015780.
Dyskeratosis congenita, autosomal dominant 2. Identifiers: MedGen C3151443, MONDO:0013521, OMIM 613989.
Idiopathic Pulmonary Fibrosis. Also called: Idiopathic fibrosing alveolitis, chronic form; idiopathic fibrosing alveolitis. Identifiers: Orphanet 2032, MedGen C1800706, MeSH D054990, MONDO:0800504.

Allele frequency attached by ClinVar (database versions not stated): gnomAD exomes below 0.00001.
gnomAD v4.1: 1 of 1,589,380 alleles (0.000063%); highest among the groups gnomAD compares: Non-Finnish European, 0.000085%; no homozygotes.

Submissions (2):

Ambry Genetics
Classification: Uncertain significance for Dyskeratosis congenita. Last evaluated: 2025-06-16. Review status: criteria provided, single submitter. Criteria: Ambry Variant Classification Scheme 2023. Collection method: clinical testing. Allele origin: germline.
Comment: The p.L216M variant (also known as c.646C>A), located in coding exon 2 of the TERT gene, results from a C to A substitution at nucleotide position 646. The leucine at codon 216 is replaced by methionine, an amino acid with highly similar properties. This amino acid position is poorly conserved in available vertebrate species. In addition, the in silico prediction for this alteration is inconclusive. Based on the available evidence, the clinical significance of this variant remains unclear.

Labcorp Genetics (formerly Invitae), Labcorp
Classification: Uncertain significance for Dyskeratosis congenita, autosomal dominant 2; Idiopathic Pulmonary Fibrosis. Last evaluated: 2024-11-05. Review status: criteria provided, single submitter. Criteria: Invitae Variant Classification Sherloc (09022015). Collection method: clinical testing. Allele origin: germline.
Comment: This sequence change replaces leucine, which is neutral and non-polar, with methionine, which is neutral and non-polar, at codon 216 of the TERT protein (p.Leu216Met). This variant is not present in population databases (gnomAD no frequency). This variant has not been reported in the literature in individuals affected with TERT-related conditions. ClinVar contains an entry for this variant (Variation ID: 2951729). Invitae Evidence Modeling of protein sequence and biophysical properties (such as structural, functional, and spatial information, amino acid conservation, physicochemical variation, residue mobility, and thermodynamic stability) indicates that this missense variant is expected to disrupt TERT protein function with a positive predictive value of 95%. In summary, the available evidence is currently insufficient to determine the role of this variant in disease. Therefore, it has been classified as a Variant of Uncertain Significance.

NM_198253.3(TERT):c.646C>A (p.Leu216Met)

Gene: TERT (telomerase reverse transcriptase; minus strand). Cytogenetic location: 5p15.33.
Variant type: single nucleotide variant.
Coding change: c.646C>A on transcript NM_198253.3 (MANE Select); coding-DNA position 646, C replaced by A.
Protein change: p.Leu216Met; replaces leucine 216 with methionine.
Molecular consequence: missense variant. On other transcripts: non-coding transcript variant (2).
Genome position (GRCh38, 1-based): chr5:1,294,240, G>T on the plus strand (C>A on the coding strand, the complement: TERT is on the minus strand). VCF-style: chr5-1294240-G-T. GRCh37 (hg19) VCF-style: chr5-1294355-G-T.
Other names: c.646C>A, p.Leu216Met (NM_001193376.3, NM_003219.1); short protein forms L216M.
Identifiers: ClinVar variation 2951729 (VCV002951729.4), dbSNP rs1270677753, ClinGen allele CA359057111.